The following is an entry in ClinVar:

NM_015021.3(ZNF292):c.3820C>G (p.Leu1274Val)

Gene: ZNF292 (zinc finger protein 292; plus strand). Cytogenetic location: 6q14.3.
Variant type: single nucleotide variant.
Coding change: c.3820C>G on transcript NM_015021.3 (MANE Select); coding-DNA position 3820, C replaced by G.
Protein change: p.Leu1274Val; replaces leucine 1274 with valine.
Molecular consequence: missense variant.
Genome position (GRCh38, 1-based): chr6:87,257,449, C>G. VCF-style: chr6-87257449-C-G. GRCh37 (hg19) VCF-style: chr6-87967167-C-G.
Other names: c.3400C>G, p.Leu1134Val (NM_001351444.2); short protein forms L1134V, L1274V.
Identifiers: ClinVar variation 3257144 (VCV003257144.17).

ClinVar aggregate classification (germline): Likely benign (1 of 4 stars; one submission).

gnomAD v4.1: 64 of 1,613,444 alleles (0.004%); highest among the groups gnomAD compares: Non-Finnish European, 0.0053%; no homozygotes.

Submission:

CeGaT Center for Human Genetics Tuebingen
Classification: Likely benign. Last evaluated: 2024-07-01. Review status: criteria provided, single submitter. Criteria: CeGaT Center For Human Genetics Tuebingen Variant Classification Criteria Version 2. Collection method: clinical testing. Allele origin: germline. Affected: yes. Observed: 1 variant allele.
Comment: ZNF292: BP4